The following is an entry in ClinVar:

ClinVar aggregate classification (germline): Uncertain significance (1 of 4 stars; one submission).

Submission:

GeneDx
Classification: Uncertain significance. Last evaluated: 2025-01-29. Review status: criteria provided, single submitter. Criteria: GeneDx Variant Classification Process June 2021. Collection method: clinical testing. Allele origin: germline. Affected: yes.
Comment: Not observed at significant frequency in large population cohorts (gnomAD); In silico analysis supports that this missense variant has a deleterious effect on protein structure/function; Has not been previously published as pathogenic or benign to our knowledge

NM_001127644.2(GABRA1):c.751G>C (p.Gly251Arg)

Gene: GABRA1 (gamma-aminobutyric acid type A receptor subunit alpha1; plus strand). Cytogenetic location: 5q34.
Variant type: single nucleotide variant.
Coding change: c.751G>C on transcript NM_001127644.2 (MANE Select); coding-DNA position 751, G replaced by C.
Protein change: p.Gly251Arg; replaces glycine 251 with arginine.
Molecular consequence: missense variant.
Genome position (GRCh38, 1-based): chr5:161,890,945, G>C. VCF-style: chr5-161890945-G-C. GRCh37 (hg19) VCF-style: chr5-161317951-G-C.
Other names: c.751G>C, p.Gly251Arg (NM_000806.5, NM_001127643.2, NM_001127645.2 and 1 more transcripts); short protein forms G251R.
Identifiers: ClinVar variation 4072632 (VCV004072632.1).
Genomic context (GRCh38, chr5:161,890,945, plus strand): 5'-TTTTACTTCTCAGGAGAATATGTTGTTATGACCACTCATTTCCACTTGAAGAGAAAGATT[G>C]GCTACTTTGTTATTCAAACATACCTGCCATGCATAATGACAGTGATTCTCTCACAAGTCT-3'
Protein context (NP_001121116.1, residues 241-261): TTHFHLKRKI[Gly251Arg]YFVIQTYLPC